The following is an entry in ClinVar:

NM_001165963.4(SCN1A):c.4096G>A (p.Val1366Ile)

Genes: SCN1A (sodium voltage-gated channel alpha subunit 1; minus strand), LOC102724058 (uncharacterized LOC102724058; plus strand). Cytogenetic location: 2q24.3.
Variant type: single nucleotide variant.
Coding change: c.4096G>A on transcript NM_001165963.4 (MANE Select); coding-DNA position 4096, G replaced by A.
Protein change: p.Val1366Ile; replaces valine 1366 with isoleucine.
Molecular consequence: missense variant. On other transcripts: non-coding transcript variant (1).
Genome position (GRCh38, 1-based): chr2:166,002,660, C>T on the plus strand (G>A on the coding strand, the complement: SCN1A is on the minus strand). VCF-style: chr2-166002660-C-T. GRCh37 (hg19) VCF-style: chr2-166859170-C-T.
Other names: c.4012G>A, p.Val1338Ile (NM_001165964.3, NM_001353957.2, NM_001353958.2); c.4096G>A, p.Val1366Ile (NM_001202435.3, NM_001353948.2); c.4063G>A, p.Val1355Ile (NM_001353949.2, NM_001353950.2, NM_001353951.2 and 2 more transcripts); c.4060G>A, p.Val1354Ile (NM_001353954.2, NM_001353955.2); c.4009G>A, p.Val1337Ile (NM_001353960.2); c.1654G>A, p.Val552Ile (NM_001353961.2); c.4096G>A (NM_001165963.3); short protein forms V1355I, V1366I, V1354I, V1338I, V552I, V1337I.
Identifiers: ClinVar variation 68628 (VCV000068628.24), dbSNP rs121918805, ClinGen allele CA266114.

ClinVar aggregate classification (germline): Conflicting classifications of pathogenicity. Review status: criteria provided, conflicting classifications (1 of 4 stars). 8 submissions from 8 submitters: Pathogenic (1); Likely pathogenic (2); Uncertain significance (4). 1 of the submissions does not count toward it. Last evaluated 2026-01-05.

Conditions:
Early-infantile DEE. Also called: Ohtahara syndrome; Early infantile epileptic encephalopathy with suppression bursts; Early infantile epileptic encephalopathy. Identifiers: Orphanet 1934, MedGen C0393706, MONDO:0800491.
Inborn genetic diseases. Identifiers: MedGen C0950123, MeSH D030342.
Migraine, familial hemiplegic, 3. Identifiers: Orphanet 569, MedGen C1864987, MONDO:0012320, OMIM 609634.
Severe myoclonic epilepsy in infancy (DRVT). Also called: Dravet syndrome; SEVERE MYOCLONIC EPILEPSY OF INFANCY; DEVELOPMENTAL AND EPILEPTIC ENCEPHALOPATHY 6A; Severe Myoclonic Epilepsy in Infancy (SMEI); Epileptic encephalopathy, early infantile, 6 (Dravet syndrome). Identifiers: Orphanet 33069, MedGen C0751122, MONDO:0100135, OMIM 607208.
Generalized epilepsy with febrile seizures plus, type 2 (GEFSP2). Also called: GEFS+, TYPE 2. Identifiers: Orphanet 36387, MedGen C1858673, MONDO:0011461, OMIM 604403.
Developmental and epileptic encephalopathy 6B. Also called: Developmental and epileptic encephalopathy 6B, non-Dravet. Identifiers: MedGen C5543353, MONDO:0030268, OMIM 619317.
Generalized epilepsy with febrile seizures plus, type 1 (GEFSP1). Also called: GEFS+, TYPE 1. Identifiers: Orphanet 36387, MedGen C1858672, MONDO:0011416, OMIM 604233.

Allele frequency attached by ClinVar (database versions not stated): ExAC 0.00001; TOPMed 0.00001; gnomAD 0.00002 and 0.00003; gnomAD exomes 0.00002 and 0.00008; 1000 Genomes Project 30x 0.00016; 1000 Genomes Project 0.00020.
gnomAD v4.1: 112 of 1,611,840 alleles (0.0069%); highest among the groups gnomAD compares: Middle Eastern, 0.017%; no homozygotes.

Submissions (9):

Labcorp Genetics (formerly Invitae), Labcorp
Classification: Pathogenic for Early-infantile DEE. Last evaluated: 2026-01-05. Review status: criteria provided, single submitter. Criteria: Invitae Variant Classification Sherloc (09022015). Collection method: clinical testing. Allele origin: germline.
Comment: This sequence change replaces valine, which is neutral and non-polar, with isoleucine, which is neutral and non-polar, at codon 1366 of the SCN1A protein (p.Val1366Ile). This variant is present in population databases (rs121918805, gnomAD 0.01%). This missense change has been observed in individuals with autosomal dominant SCN1A-related conditions (PMID: 17507202). It has also been observed to segregate with disease in related individuals. ClinVar contains an entry for this variant (Variation ID: 68628). Invitae Evidence Modeling of protein sequence and biophysical properties (such as structural, functional, and spatial information, amino acid conservation, physicochemical variation, residue mobility, and thermodynamic stability) indicates that this missense variant is expected to disrupt SCN1A protein function with a positive predictive value of 95%. Experimental studies have shown that this missense change affects SCN1A function (PMID: 25576396). For these reasons, this variant has been classified as Pathogenic.

GeneDx
Classification: Uncertain significance. Last evaluated: 2025-05-14. Review status: criteria provided, single submitter. Criteria: GeneDx Variant Classification Process June 2021. Collection method: clinical testing. Allele origin: germline. Affected: yes.
Comment: In vitro functional studies indicate reduced cell surface expression, leading to a loss-of-function effect; however the effect was not as strong as other pathogenic variants (PMID: 25576396); This substitution is predicted to be within the transmembrane segment S5 of the third homologous domain; In silico analysis supports that this missense variant does not alter protein structure/function; Available evidence suggests this variant may predispose to seizures but is associated with incomplete penetrance; This variant is associated with the following publications: (PMID: 19586930, 23884151, 24502503, 28150151, 28664031, 32146541, 31782251, 33375447, 17507202, Shin2022, 29655203, 25576396, 39669589)

Revvity Omics, Revvity
Classification: Likely pathogenic. Last evaluated: 2024-10-04. Review status: criteria provided, single submitter. Criteria: ACMG Guidelines, 2015. Collection method: clinical testing. Allele origin: germline.

Ambry Genetics
Classification: Uncertain significance for Inborn genetic diseases. Last evaluated: 2024-04-22. Review status: criteria provided, single submitter. Criteria: Ambry Variant Classification Scheme 2023. Collection method: clinical testing. Allele origin: germline.
Comment: The c.4096G>A (p.V1366I) alteration is located in exon 21 (coding exon 21) of the SCN1A gene. This alteration results from a G to A substitution at nucleotide position 4096, causing the valine (V) at amino acid position 1366 to be replaced by an isoleucine (I). In an assay testing SCN1A function, this variant showed a functionally abnormal result (Bechi 2015). Based on insufficient or conflicting evidence, the clinical significance of this alteration remains unclear.

Genomic Medicine Center of Excellence, King Faisal Specialist Hospital and Research Centre
Classification: Uncertain significance for Severe myoclonic epilepsy in infancy. Last evaluated: 2024-03-26. Review status: criteria provided, single submitter. Criteria: ACMG Guidelines, 2015. Collection method: clinical testing. Allele origin: germline.

Blueprint Genetics
Classification: Uncertain significance. Last evaluated: 2021-02-16. Review status: criteria provided, single submitter. Criteria: ACMG Guidelines, 2015. Collection method: clinical testing. Allele origin: germline.

Juno Genomics, Hangzhou Juno Genomics, Inc
Classification: Likely pathogenic for Developmental and epileptic encephalopathy 6B; Severe myoclonic epilepsy in infancy; Generalized epilepsy with febrile seizures plus, type 2; Migraine, familial hemiplegic, 3. Review status: criteria provided, single submitter. Criteria: ACMG Guidelines, 2015. Collection method: clinical testing. Allele origin: germline.
Comment: Absent from controls (or at extremely low frequency if recessive) in Genome Aggregation Database.;Multiple lines of computational evidence support a deleterious effect on the gene or gene product.;The prevalence of the variant in affected individuals is significantly increased compared to the prevalence in controls.;Co-segregation with disease in multiple affected family members.

Channelopathy-Associated Epilepsy Research Center
No classification provided (evidence only). Condition: Severe myoclonic epilepsy in infancy. Review status: no classification provided. Collection method: literature only. Allele origin: not applicable. Functional consequence: Moderate decrease in peak current, Acceleration of recovery from fast inactivation, Decrease in persistent current, Overall loss-of-function effect with respect to biophysical channel activity. Not counted in ClinVar's aggregate classification.
ClinVar note: "not provided" was previously submitted as the classification for the variant. However, the classification appeared to be based only on an observation of functional data so it was converted to no classification on 2025-07-30.

UniProtKB/Swiss-Prot
No classification provided. Condition: Generalized epilepsy with febrile seizures plus, type 1. Review status: no classification provided. Collection method: not provided. Allele origin: not provided. Not counted in ClinVar's aggregate classification.

Literature cited by the submitters: PubMed 17507202 (cited by Labcorp Genetics (formerly Invitae), Labcorp and Ambry Genetics); PubMed 25576396 (cited by 3 submitters); PubMed 24502503 (cited by Ambry Genetics); PubMed 28664031 (cited by Ambry Genetics); PubMed 29655203 (cited by Ambry Genetics).